The following is an entry in ClinVar:

ClinVar aggregate classification (germline): Uncertain significance (1 of 4 stars; one submission).

gnomAD v4.1: 2 of 1,585,304 alleles (0.00013%); highest among the groups gnomAD compares: Non-Finnish European, 0.00017%; no homozygotes.

Submission:

Labcorp Genetics (formerly Invitae), Labcorp
Classification: Uncertain significance. Last evaluated: 2023-06-23. Review status: criteria provided, single submitter. Criteria: Invitae Variant Classification Sherloc (09022015). Collection method: clinical testing. Allele origin: germline.
Comment: In summary, the available evidence is currently insufficient to determine the role of this variant in disease. Therefore, it has been classified as a Variant of Uncertain Significance. An algorithm developed to predict the effect of missense changes on protein structure and function (PolyPhen-2) suggests that this variant is likely to be disruptive. This variant has not been reported in the literature in individuals affected with RELB-related conditions. This variant is not present in population databases (gnomAD no frequency). This sequence change replaces aspartic acid, which is acidic and polar, with asparagine, which is neutral and polar, at codon 326 of the RELB protein (p.Asp326Asn).

NM_006509.4(RELB):c.976G>A (p.Asp326Asn)

Gene: RELB (RELB proto-oncogene, NF-kB subunit; plus strand). Cytogenetic location: 19q13.32.
Variant type: single nucleotide variant.
Coding change: c.976G>A on transcript NM_006509.4 (MANE Select); coding-DNA position 976, G replaced by A.
Protein change: p.Asp326Asn; replaces aspartic acid 326 with asparagine.
Molecular consequence: missense variant.
Genome position (GRCh38, 1-based): chr19:45,028,977, G>A. VCF-style: chr19-45028977-G-A. GRCh37 (hg19) VCF-style: chr19-45532235-G-A.
Other names: c.967G>A, p.Asp323Asn (NM_001411087.1); short protein forms D323N, D326N.
Identifiers: ClinVar variation 2712993 (VCV002712993.3), dbSNP rs761683307, ClinGen allele CA9507705.